The following is an entry in ClinVar:

ClinVar aggregate classification (germline): Likely benign. Review status: criteria provided, multiple submitters, no conflicts (2 of 4 stars). 2 submissions from 2 submitters: Likely benign (2). Last evaluated 2025-02-04.

Conditions:
Hereditary nonpolyposis colorectal neoplasms. Identifiers: MedGen C0009405, MeSH D003123.
Lynch syndrome 4 (LYNCH4). Also called: Colorectal cancer, hereditary nonpolyposis, type 4; Hereditary non-polyposis colorectal cancer, type 4. Identifiers: Orphanet 144, MedGen C1838333, MONDO:0013699, OMIM 614337. Disease mechanism: loss of function.

Submissions (2):

Myriad Genetics, Inc.
Classification: Likely benign for Lynch syndrome 4. Last evaluated: 2025-02-04. Review status: criteria provided, single submitter. Criteria: Myriad Autosomal Dominant, Autosomal Recessive and X-Linked Classification Criteria (2023). Collection method: clinical testing. Allele origin: unknown.
Comment: This variant is considered likely benign. This variant is intronic and is not expected to impact mRNA splicing.

Labcorp Genetics (formerly Invitae), Labcorp
Classification: Likely benign for Hereditary nonpolyposis colorectal neoplasms. Last evaluated: 2024-05-23. Review status: criteria provided, single submitter. Criteria: Invitae Variant Classification Sherloc (09022015). Collection method: clinical testing. Allele origin: germline.

NM_000535.7(PMS2):c.2446-14T>C

Gene: PMS2 (PMS1 homolog 2, mismatch repair system component; minus strand). Cytogenetic location: 7p22.1.
Variant type: single nucleotide variant.
Coding change: c.2446-14T>C on transcript NM_000535.7 (MANE Select); 14 bases into the intron before coding-DNA position 2446, T replaced by C.
Molecular consequence: intron variant.
Genome position (GRCh38, 1-based): chr7:5,973,556, A>G on the plus strand (T>C on the coding strand, the complement: PMS2 is on the minus strand). VCF-style: chr7-5973556-A-G. GRCh37 (hg19) VCF-style: chr7-6013187-A-G.
Other names: c.2128-14T>C (NM_001322008.2, NM_001406883.1, NM_001322007.2); c.2137-14T>C (NM_001406881.1, NM_001406879.1, NM_001322015.2 and 4 more transcripts); c.2041-14T>C (NM_001406895.1, NM_001322004.2, NM_001406889.1 and 11 more transcripts); c.1675-14T>C (NM_001406911.1); c.1885-14T>C (NM_001322010.2, NM_001406906.1, NM_001406907.1); c.1972-14T>C (NM_001406902.1, NM_001406901.1); c.1933-14T>C (NM_001406904.1, NM_001406905.1); c.1873-14T>C (NM_001322013.2, NM_001406908.1, NM_001406909.1); and 20 more.
Identifiers: ClinVar variation 2954602 (VCV002954602.4), dbSNP rs2128659531, ClinGen allele CA2740097291.
Genomic context (GRCh38, chr7:5,973,556, plus strand): 5'-ATCAGTTTCTTCATCTCGCTTGTGTTAAGAGCAGTCCCAATCATCACCTGAGTGTGAGAC[A>G]CAATGGTTCAACGTTTTAGTAGTTTTTTGACGTCAGAATGGCAGCTCTTCAGAAGCATTC-3'